The following is an entry in ClinVar:

ClinVar aggregate classification (germline): Uncertain significance. Review status: criteria provided, multiple submitters, no conflicts (2 of 4 stars). 2 submissions from 2 submitters: Uncertain significance (2). Last evaluated 2026-01-14.

Conditions:
Primary dilated cardiomyopathy (DCM). Also called: Dilated Cardiomyopathy. Identifiers: Orphanet 217604, MedGen C0007193, MeSH D002311, MONDO:0005021, HP:0001644. Inheritance: Various modes of inheritance.

Submissions (2):

Labcorp Genetics (formerly Invitae), Labcorp
Classification: Uncertain significance for Primary dilated cardiomyopathy. Last evaluated: 2026-01-14. Review status: criteria provided, single submitter. Criteria: Invitae Variant Classification Sherloc (09022015). Collection method: clinical testing. Allele origin: germline.
Comment: This variant, c.67_72del, results in the deletion of 2 amino acid(s) of the NEBL protein (p.Asn23_Glu24del), but otherwise preserves the integrity of the reading frame. This variant is present in population databases (rs778962398, gnomAD 0.06%). This variant has not been reported in the literature in individuals affected with NEBL-related conditions. ClinVar contains an entry for this variant (Variation ID: 546343). Experimental studies and prediction algorithms are not available or were not evaluated, and the functional significance of this variant is currently unknown. In summary, the available evidence is currently insufficient to determine the role of this variant in disease. Therefore, it has been classified as a Variant of Uncertain Significance.

GeneDx
Classification: Uncertain significance. Last evaluated: 2018-05-15. Review status: criteria provided, single submitter. Criteria: GeneDx Variant Classification (06012015). Collection method: clinical testing. Allele origin: germline. Affected: yes.
Comment: A variant of uncertain significance has been identified in the NEBL gene. The c.67_72delAATGAA variant has not been published as pathogenic or been reported as benign to our knowledge. This variant is observed in 5/8732 (0.06%) alleles from individuals of African ancestry in large population cohorts (Lek et al., 2016). The c.67_72delAATGAA variant is predicted to result in the in-frame deletion of two amino acids, denoted p.Asn23_Glu24del. In-silico analyses, including protein predictors and evolutionary conservation, support a deleterious effect. Nevertheless, this variant has not been observed in a significant number of affected individuals, and it lacks both segregation and functional studies which would further clarify its pathogenicity.

NM_006393.3(NEBL):c.67_72del (p.Asn23_Glu24del)

Gene: NEBL (nebulette; minus strand). Cytogenetic location: 10p12.31.
Variant type: Deletion.
Coding change: c.67_72del on transcript NM_006393.3 (MANE Select); coding-DNA positions 67 to 72, 6 bases deleted (AATGAA; older notation c.67_72delAATGAA).
Protein change: p.Asn23_Glu24del.
Molecular consequence: inframe deletion. On other transcripts: intron variant (9).
Genome position (GRCh38, 1-based): chr10:20,897,134-20,897,139, TTCATT deleted on the plus strand (AATGAA on the coding strand, the reverse complement: NEBL is on the minus strand); deleting any 6 consecutive bases within chr10:20,897,134-20,897,142 gives the same sequence; the c. name uses the placement nearest the transcript's 3' end. VCF-style (leftmost placement, unchanged base first): chr10-20897133-CTTCATT-C. GRCh37 (hg19) VCF-style: chr10-21186062-CTTCATT-C.
Other names: c.67_72delAATGAA (NM_006393.2); c.249+64533_249+64538del (NM_001377326.1, NM_001377327.1, NM_001377328.1); c.357+64533_357+64538del (NM_213569.2, NM_001173484.2, NM_001377322.1); c.300+64533_300+64538del (NM_001377324.1); c.291+64533_291+64538del (NM_001377325.1); c.309+64533_309+64538del (NM_001377323.1).
Identifiers: ClinVar variation 546343 (VCV000546343.9), dbSNP rs778962398, ClinGen allele CA5433401.
Genomic context (GRCh38, chr10:20,897,133, plus strand): 5'-TTGTCAATTTAGAGGAACAAACGCTGGTCTGAGTATGTGTTTTCTCACTCACCTGGTCTT[CTTCATT>C]TTCTTCTTCCCCTATCTTTTCTTCTTCAGTTTCATCTTTTATATCCTCAAATACAGGGAC-3'